The following is an entry in ClinVar:

NM_002755.4(MAP2K1):c.171_185del (p.Gln58_Glu62del)

Gene: MAP2K1 (mitogen-activated protein kinase kinase 1; plus strand). Cytogenetic location: 15q22.31.
Variant type: Deletion.
Coding change: c.171_185del on transcript NM_002755.4 (MANE Select); coding-DNA positions 171 to 185, 15 bases deleted (GCAGAAGGTGGGAGA).
Protein change: p.Gln58_Glu62del.
Molecular consequence: inframe deletion.
Genome position (GRCh38, 1-based): chr15:66,435,117-66,435,131, GCAGAAGGTGGGAGA deleted; deleting any 15 consecutive bases within chr15:66,435,116-66,435,131 gives the same sequence; the c. name uses the placement nearest the transcript's 3' end. VCF-style (leftmost placement, unchanged base first): chr15-66435115-AAGCAGAAGGTGGGAG-A. GRCh37 (hg19) VCF-style: chr15-66727453-AAGCAGAAGGTGGGAG-A.
Other names: c.105_119del, p.Gln36_Glu40del (NM_001411065.1).
Identifiers: ClinVar variation 3774512 (VCV003774512.1).

ClinVar aggregate classification (germline): Pathogenic (1 of 4 stars; one submission).

Conditions:
Extracranial arteriovenous malformation.

Submission:

Clinical Genomics Laboratory, Washington University in St. Louis
Classification: Pathogenic for Extracranial arteriovenous malformation. Last evaluated: 2024-07-31. Review status: criteria provided, single submitter. Criteria: Leon-Quintero et al. (Clin Genet. 2025). Collection method: clinical testing. Allele origin: somatic. Affected: yes.
Comment: The MAP2K1 c.171_185del (p.Gln58_Glu62del) variant was identified at an allelic fraction consistent with somatic origin. This variant (p.Gln58_Glu62del) has been reported in several individuals with arteriovenous malformations (Schmidt VF et al., PMID: 38563363; Couto JA et al., PMID: 28190454; Goss JA et al., PMID: 31486960) and in six cases in the cancer database COSMIC (Genomic Mutation ID: COSV61069638). The MAP2K1 c.171_185del (p.Gln58_Glu62del) variant is absent from the general population (gnomAD v.4.1.0), indicating it is not a common variant. This variant resides within an N-terminus region, amino acids 43-61, of MAP2K1 that is defined as a critical functional domain (Xu Be et al., PMID: 10567369; Gelb BD et al., PMID: 29493581). Functional studies using cell lines showed that expression of the MAP2K1 p.Gln58_Glu62 deletion resulted in significantly elevated levels of the ERK phosphorylation, indicating that this variant impacts protein function (Al-Olabi Let al., PMID: 29461977). This variant is predicted to cause a change in the length of the protein due to an in-frame deletion of 5 amino acids in a non-repeat regionBased on available information and an internally developed protocol informed by the ACMG/AMP guidelines for variant interpretation and gene-specific practices from the ClinGen Criteria Specification Registry (Leon-Quintero FZ et al., PMID: 39434542), the MAP2K1 c.171_185del (p.Gln58_Glu62del) variant is classified as pathogenic.